The following is an entry in ClinVar:

ClinVar aggregate classification (germline): Uncertain significance. Review status: criteria provided, multiple submitters, no conflicts (2 of 4 stars). 4 submissions from 4 submitters: Uncertain significance (4). Last evaluated 2023-05-03.

Conditions:
Inborn genetic diseases. Identifiers: MedGen C0950123, MeSH D030342.
Frontotemporal dementia (FTD1). Also called: WILHELMSEN-LYNCH DISEASE; FRONTOTEMPORAL LOBAR DEGENERATION WITH TAU INCLUSIONS; FTLD WITH TAU INCLUSIONS; Dementia, frontotemporal, with or without parkinsonism; Frontotemporal Dementia with Parkinsonism-17 (FTDP-17); FRONTOTEMPORAL DEMENTIA WITH PARKINSONISM. Identifiers: Orphanet 282, MedGen C0338451, MONDO:0017276, OMIM 600274, HP:0002145.

Allele frequency attached by ClinVar (database versions not stated): TOPMed below 0.00001; ExAC 0.00001; gnomAD 0.00002; gnomAD exomes 0.00002; ESP Exome Variant Server 0.00008.
gnomAD v4.1: 32 of 1,613,414 alleles (0.002%); highest among the groups gnomAD compares: South Asian, 0.0033%; no homozygotes.

Submissions (4):

GeneDx
Classification: Uncertain significance. Last evaluated: 2023-05-03. Review status: criteria provided, single submitter. Criteria: GeneDx Variant Classification Process June 2021. Collection method: clinical testing. Allele origin: germline. Affected: yes.
Comment: Not observed at significant frequency in large population cohorts (gnomAD); In silico analysis supports that this missense variant has a deleterious effect on protein structure/function; Has not been previously published as pathogenic or benign to our knowledge

Labcorp Genetics (formerly Invitae), Labcorp
Classification: Uncertain significance for Frontotemporal dementia. Last evaluated: 2023-04-15. Review status: criteria provided, single submitter. Criteria: Invitae Variant Classification Sherloc (09022015). Collection method: clinical testing. Allele origin: germline.
Comment: In summary, the available evidence is currently insufficient to determine the role of this variant in disease. Therefore, it has been classified as a Variant of Uncertain Significance. Advanced modeling of protein sequence and biophysical properties (such as structural, functional, and spatial information, amino acid conservation, physicochemical variation, residue mobility, and thermodynamic stability) performed at Invitae indicates that this missense variant is expected to disrupt MAPT protein function. ClinVar contains an entry for this variant (Variation ID: 2205337). This variant has not been reported in the literature in individuals affected with MAPT-related conditions. This variant is present in population databases (rs374286863, gnomAD 0.003%). This sequence change replaces arginine, which is basic and polar, with tryptophan, which is neutral and slightly polar, at codon 221 of the MAPT protein (p.Arg221Trp).

Revvity Omics, Revvity
Classification: Uncertain significance. Last evaluated: 2022-03-31. Review status: criteria provided, single submitter. Criteria: ACMG Guidelines, 2015. Collection method: clinical testing. Allele origin: germline.

Ambry Genetics
Classification: Uncertain significance for Inborn genetic diseases. Last evaluated: 2022-03-25. Review status: criteria provided, single submitter. Criteria: Ambry Variant Classification Scheme 2023. Collection method: clinical testing. Allele origin: germline.

NM_001377265.1(MAPT):c.1837C>T (p.Arg613Trp)

Gene: MAPT (microtubule associated protein tau). Cytogenetic location: 17q21.31.
Variant type: single nucleotide variant.
Coding change: c.1837C>T on transcript NM_001377265.1 (MANE Select); coding-DNA position 1837, C replaced by T.
Protein change: p.Arg613Trp; replaces arginine 613 with tryptophan.
Molecular consequence: missense variant.
Genome position (GRCh38, 1-based): chr17:45,996,503, C>T. VCF-style: chr17-45996503-C-T. GRCh37 (hg19) VCF-style: chr17-44073869-C-T.
Other names: c.487C>T, p.Arg163Trp (NM_016841.5, NM_001377268.1, NM_016834.5); c.1666C>T, p.Arg556Trp (NM_001123066.4); c.574C>T, p.Arg192Trp (NM_001123067.4, NM_001203251.2, NM_001377267.1); c.661C>T, p.Arg221Trp (NM_001203252.2, NM_005910.6); c.1639C>T, p.Arg547Trp (NM_001377266.1); c.1612C>T, p.Arg538Trp (NM_016835.5); short protein forms R547W, R556W, R221W, R538W, R163W, R192W, R613W.
Identifiers: ClinVar variation 2205337 (VCV002205337.9), dbSNP rs374286863, ClinGen allele CA8618046.